The following is an entry in ClinVar:

ClinVar aggregate classification (germline): Uncertain significance. Review status: criteria provided, multiple submitters, no conflicts (2 of 4 stars). 2 submissions from 2 submitters: Uncertain significance (2). Last evaluated 2025-12-15.

Conditions:
Inborn genetic diseases. Identifiers: MedGen C0950123, MeSH D030342.
Hereditary hyperekplexia. Identifiers: Orphanet 3197, MedGen C4084968, MONDO:0021022.

Allele frequency attached by ClinVar (database versions not stated): gnomAD 0.00001; gnomAD exomes 0.00001; TOPMed 0.00002; 1000 Genomes Project 30x 0.00016; 1000 Genomes Project 0.00020.
gnomAD v4.1: 7 of 1,614,098 alleles (0.00043%); highest among the groups gnomAD compares: Admixed American, 0.005%; no homozygotes.

Submissions (2):

Ambry Genetics
Classification: Uncertain significance for Inborn genetic diseases. Last evaluated: 2025-12-15. Review status: criteria provided, single submitter. Criteria: Ambry Variant Classification Scheme 2023. Collection method: clinical testing. Allele origin: germline.

Labcorp Genetics (formerly Invitae), Labcorp
Classification: Uncertain significance for Hereditary hyperekplexia. Last evaluated: 2025-10-29. Review status: criteria provided, single submitter. Criteria: Invitae Variant Classification Sherloc (09022015). Collection method: clinical testing. Allele origin: germline.
Comment: This sequence change replaces serine, which is neutral and polar, with phenylalanine, which is neutral and non-polar, at codon 31 of the GLRA1 protein (p.Ser31Phe). This variant is not present in population databases (gnomAD no frequency). This variant has not been reported in the literature in individuals affected with GLRA1-related conditions. ClinVar contains an entry for this variant (Variation ID: 1493795). Invitae Evidence Modeling of protein sequence and biophysical properties (such as structural, functional, and spatial information, amino acid conservation, physicochemical variation, residue mobility, and thermodynamic stability) indicates that this missense variant is not expected to disrupt GLRA1 protein function with a negative predictive value of 95%. In summary, the available evidence is currently insufficient to determine the role of this variant in disease. Therefore, it has been classified as a Variant of Uncertain Significance.

NM_000171.4(GLRA1):c.92C>T (p.Ser31Phe)

Gene: GLRA1 (glycine receptor alpha 1; minus strand). Cytogenetic location: 5q33.1.
Variant type: single nucleotide variant.
Coding change: c.92C>T on transcript NM_000171.4 (MANE Select); coding-DNA position 92, C replaced by T.
Protein change: p.Ser31Phe; replaces serine 31 with phenylalanine.
Molecular consequence: missense variant. On other transcripts: intron variant (1).
Genome position (GRCh38, 1-based): chr5:151,892,403, G>A on the plus strand (C>T on the coding strand, the complement: GLRA1 is on the minus strand). VCF-style: chr5-151892403-G-A. GRCh37 (hg19) VCF-style: chr5-151271964-G-A.
Other names: c.92C>T, p.Ser31Phe (NM_001146040.2); c.-65-5615C>T (NM_001292000.2); c.92C>T (NM_000171.3); short protein forms S31F.
Identifiers: ClinVar variation 1493795 (VCV001493795.9), dbSNP rs200171902, ClinGen allele CA130011807.